The following is an entry in ClinVar:

NM_001378778.1(MPDZ):c.1474+6C>A

Gene: MPDZ (multiple PDZ domain crumbs cell polarity complex component; minus strand). Cytogenetic location: 9p23.
Variant type: single nucleotide variant.
Coding change: c.1474+6C>A on transcript NM_001378778.1 (MANE Select); 6 bases into the intron after coding-DNA position 1474, C replaced by A.
Molecular consequence: intron variant.
Genome position (GRCh38, 1-based): chr9:13,205,910, G>T on the plus strand (C>A on the coding strand, the complement: MPDZ is on the minus strand). VCF-style: chr9-13205910-G-T. GRCh37 (hg19) VCF-style: chr9-13205909-G-T.
Other names: c.1474+6C>A (NM_001375425.1, NM_001375420.1, NM_001375419.1 and 14 more transcripts).
Identifiers: ClinVar variation 1355025 (VCV001355025.6), dbSNP rs2135672033, ClinGen allele CA2573143540.
Genomic context (GRCh38, chr9:13,205,910, plus strand): 5'-TGGAATTTAAAAAAAATTGGAGACAATATAAAGGTCTAACTAAAAACCAGATTAACATAG[G>T]ATTACCTTTGATTATGCTGGCATTAACAGGAGACAAATCTGCATCTTTTGTGACGTCTTC-3'

ClinVar aggregate classification (germline): Uncertain significance (1 of 4 stars; one submission).

Submission:

Labcorp Genetics (formerly Invitae), Labcorp
Classification: Uncertain significance. Last evaluated: 2025-01-05. Review status: criteria provided, single submitter. Criteria: Invitae Variant Classification Sherloc (09022015). Collection method: clinical testing. Allele origin: germline.
Comment: This sequence change falls in intron 11 of the MPDZ gene. It does not directly change the encoded amino acid sequence of the MPDZ protein. It affects a nucleotide within the consensus splice site. This variant is not present in population databases (gnomAD no frequency). This variant has not been reported in the literature in individuals affected with MPDZ-related conditions. ClinVar contains an entry for this variant (Variation ID: 1355025). Variants that disrupt the consensus splice site are a relatively common cause of aberrant splicing (PMID: 17576681, 9536098). Algorithms developed to predict the effect of sequence changes on RNA splicing suggest that this variant is not likely to affect RNA splicing. In summary, the available evidence is currently insufficient to determine the role of this variant in disease. Therefore, it has been classified as a Variant of Uncertain Significance.

Literature cited by the submitters: PubMed 17576681; PubMed 9536098.